The following is an entry in ClinVar:

ClinVar aggregate classification (germline): Uncertain significance. Review status: criteria provided, multiple submitters, no conflicts (2 of 4 stars). 2 submissions from 2 submitters: Uncertain significance (2). Last evaluated 2025-06-12.

Conditions:
Hereditary cancer-predisposing syndrome. Also called: Hereditary neoplastic syndrome; Tumor predisposition; Neoplastic Syndromes, Hereditary; Hereditary Cancer Syndrome. Identifiers: Orphanet 140162, MedGen C0027672, MeSH D009386, MONDO:0015356.
Birt-Hogg-Dube syndrome. Also called: Birt Hogg Dubé syndrome. Identifiers: Orphanet 122, MedGen C0346010, MONDO:0800444.

Submissions (2):

Ambry Genetics
Classification: Uncertain significance for Hereditary cancer-predisposing syndrome. Last evaluated: 2025-06-12. Review status: criteria provided, single submitter. Criteria: Ambry Variant Classification Scheme 2023. Collection method: clinical testing. Allele origin: germline.
Comment: The p.L29H variant (also known as c.86T>A), located in coding exon 1 of the FLCN gene, results from a T to A substitution at nucleotide position 86. The leucine at codon 29 is replaced by histidine, an amino acid with similar properties. This amino acid position is not well conserved in available vertebrate species. In addition, the in silico prediction for this alteration is inconclusive. Since supporting evidence is limited at this time, the clinical significance of this alteration remains unclear.

Labcorp Genetics (formerly Invitae), Labcorp
Classification: Uncertain significance for Birt-Hogg-Dube syndrome. Last evaluated: 2023-08-30. Review status: criteria provided, single submitter. Criteria: Invitae Variant Classification Sherloc (09022015). Collection method: clinical testing. Allele origin: germline.
Comment: This sequence change replaces leucine, which is neutral and non-polar, with histidine, which is basic and polar, at codon 29 of the FLCN protein (p.Leu29His). In summary, the available evidence is currently insufficient to determine the role of this variant in disease. Therefore, it has been classified as a Variant of Uncertain Significance. Advanced modeling of protein sequence and biophysical properties (such as structural, functional, and spatial information, amino acid conservation, physicochemical variation, residue mobility, and thermodynamic stability) performed at Invitae indicates that this missense variant is not expected to disrupt FLCN protein function. ClinVar contains an entry for this variant (Variation ID: 949189). This variant has not been reported in the literature in individuals affected with FLCN-related conditions. This variant is not present in population databases (gnomAD no frequency).

NM_144997.7(FLCN):c.86T>A (p.Leu29His)

Gene: FLCN (folliculin; minus strand). Cytogenetic location: 17p11.2.
Variant type: single nucleotide variant.
Coding change: c.86T>A on transcript NM_144997.7 (MANE Select); coding-DNA position 86, T replaced by A.
Protein change: p.Leu29His; replaces leucine 29 with histidine.
Molecular consequence: missense variant.
Genome position (GRCh38, 1-based): chr17:17,228,052, A>T on the plus strand (T>A on the coding strand, the complement: FLCN is on the minus strand). VCF-style: chr17-17228052-A-T. GRCh37 (hg19) VCF-style: chr17-17131366-A-T.
Other names: c.86T>A, p.Leu29His (NM_001353229.2, NM_001353230.2, NM_001353231.2 and 1 more transcripts); short protein forms L29H.
Identifiers: ClinVar variation 949189 (VCV000949189.10), dbSNP rs150051278, ClinGen allele CA398535362.